The following is an entry in ClinVar:

NM_001039111.3(TRIM71):c.339C>T (p.Ala113=)

Gene: TRIM71 (tripartite motif containing 71; plus strand). Cytogenetic location: 3p22.3.
Variant type: single nucleotide variant.
Coding change: c.339C>T on transcript NM_001039111.3 (MANE Select); coding-DNA position 339, C replaced by T.
Protein change: p.Ala113=; no amino-acid change (alanine 113 retained).
Molecular consequence: synonymous variant.
Genome position (GRCh38, 1-based): chr3:32,818,419, C>T. VCF-style: chr3-32818419-C-T. GRCh37 (hg19) VCF-style: chr3-32859911-C-T.
Identifiers: ClinVar variation 3054290 (VCV003054290.2), dbSNP rs1293435424, ClinGen allele CA433060513.

ClinVar aggregate classification (germline): Likely benign (0 of 4 stars; one submission).

Conditions:
TRIM71-related disorder. Also called: TRIM71-related condition.

Allele frequency attached by ClinVar (database versions not stated): TOPMed below 0.00001; gnomAD exomes 0.00001.
gnomAD v4.1: 7 of 1,477,348 alleles (0.00047%); highest among the groups gnomAD compares: Admixed American, 0.0023%; no homozygotes.

Submission:

PreventionGenetics, part of Exact Sciences
Classification: Likely benign for TRIM71-related condition. Last evaluated: 2022-06-07. Review status: no assertion criteria provided. Collection method: clinical testing. Allele origin: germline.
Comment: This variant is classified as likely benign based on ACMG/AMP sequence variant interpretation guidelines (Richards et al. 2015 PMID: 25741868, with internal and published modifications).